The following is an entry in ClinVar:

ClinVar aggregate classification (germline): Likely pathogenic. Review status: criteria provided, multiple submitters, no conflicts (2 of 4 stars). 2 submissions from 2 submitters: Likely pathogenic (2). Last evaluated 2026-07-01.

Conditions:
Joubert syndrome and related disorders. Identifiers: Orphanet 140874, MedGen C5679612, MONDO:0015369.
Retinitis pigmentosa 93. Identifiers: MedGen C5676970, MONDO:0030797, OMIM 619845.
COACH syndrome 2. Identifiers: MedGen C5436837, MONDO:0030859, OMIM 619111.
Meckel syndrome, type 6. Identifiers: Orphanet 564, MedGen C2676790, MONDO:0012848, OMIM 612284.
Joubert syndrome 9 (JBTS9). Identifiers: Orphanet 2318, MedGen C2676788, MONDO:0012849, OMIM 612285.

Submissions (2):

Myriad Genetics, Inc.
Classification: Likely pathogenic for Joubert syndrome and related disorders. Last evaluated: 2026-07-01. Review status: criteria provided, single submitter. Criteria: Myriad Autosomal Dominant, Autosomal Recessive and X-Linked Classification Criteria (2023). Collection method: clinical testing. Allele origin: unknown.
Comment: NM_001080522.2(CC2D2A):c.3014+1delG is a variant in a canonical splice site classified as likely pathogenic in the context of CC2D2A-related disorders. c.3014+1delG has not been observed in cases with relevant disease. Relevant functional assessments of this variant are not available in the literature. c.3014+1delG has not been observed in referenced population frequency databases. In summary, NM_001080522.2(CC2D2A):c.3014+1delG is a variant in a canonical splice site in a gene where loss of function is a known mechanism of disease and is predicted to disrupt protein function. Please note: this variant was assessed in the context of healthy population screening.

Fulgent Genetics
Classification: Likely pathogenic for Meckel syndrome, type 6; Joubert syndrome 9; COACH syndrome 2; Retinitis pigmentosa 93. Last evaluated: 2024-03-23. Review status: criteria provided, single submitter. Criteria: ACMG Guidelines, 2015. Collection method: clinical testing. Allele origin: germline.

NM_001378615.1(CC2D2A):c.3014+1del

Genes: CC2D2A (coiled-coil and C2 domain containing 2A; plus strand), FBXL5 (F-box and leucine rich repeat protein 5; minus strand). Cytogenetic location: 4p15.32.
Variant type: Deletion.
Coding change: c.3014+1del on transcript NM_001378615.1 (MANE Select); the canonical splice donor site of the intron after coding-DNA position 3014, one base deleted (G; older notation c.3014+1delG).
Molecular consequence: splice donor variant.
Genome position (GRCh38, 1-based): chr4:15,560,623, G deleted; the last of 2 consecutive G bases (chr4:15,560,622-15,560,623); deleting either gives the same sequence. VCF-style (leftmost placement, unchanged base first): chr4-15560621-AG-A. GRCh37 (hg19) VCF-style: chr4-15562244-AG-A.
Other names: c.3014del (NM_001080522.2); c.3014+1del (NM_001080522.2); c.2867+1del (NM_001378617.1).
Identifiers: ClinVar variation 3590379 (VCV003590379.2).